The following is an entry in ClinVar:

NM_006361.6(HOXB13):c.338C>T (p.Thr113Ile)

Gene: HOXB13 (homeobox B13; minus strand). Cytogenetic location: 17q21.32.
Variant type: single nucleotide variant.
Coding change: c.338C>T on transcript NM_006361.6 (MANE Select); coding-DNA position 338, C replaced by T.
Protein change: p.Thr113Ile; replaces threonine 113 with isoleucine.
Molecular consequence: missense variant.
Genome position (GRCh38, 1-based): chr17:48,728,256, G>A on the plus strand (C>T on the coding strand, the complement: HOXB13 is on the minus strand). VCF-style: chr17-48728256-G-A. GRCh37 (hg19) VCF-style: chr17-46805618-G-A.
Other names: short protein forms T113I.
Identifiers: ClinVar variation 3636859 (VCV003636859.3).

ClinVar aggregate classification (germline): Uncertain significance. Review status: criteria provided, multiple submitters, no conflicts (2 of 4 stars). 2 submissions from 2 submitters: Uncertain significance (2). Last evaluated 2026-01-20.

Conditions:
Hereditary cancer-predisposing syndrome. Also called: Hereditary Cancer Syndrome; Neoplastic Syndromes, Hereditary; Tumor predisposition; Hereditary neoplastic syndrome. Identifiers: Orphanet 140162, MedGen C0027672, MeSH D009386, MONDO:0015356.

Submissions (2):

Ambry Genetics
Classification: Uncertain significance for Hereditary cancer-predisposing syndrome. Last evaluated: 2026-01-20. Review status: criteria provided, single submitter. Criteria: Ambry Variant Classification Scheme 2023. Collection method: clinical testing. Allele origin: germline.
Comment: The p.T113I variant (also known as c.338C>T), located in coding exon 1 of the HOXB13 gene, results from a C to T substitution at nucleotide position 338. The threonine at codon 113 is replaced by isoleucine, an amino acid with similar properties. This amino acid position is well conserved in available vertebrate species. In addition, the in silico prediction for this alteration is inconclusive. Based on the available evidence, the clinical significance of this variant remains unclear.

Labcorp Genetics (formerly Invitae), Labcorp
Classification: Uncertain significance. Last evaluated: 2024-03-19. Review status: criteria provided, single submitter. Criteria: Invitae Variant Classification Sherloc (09022015). Collection method: clinical testing. Allele origin: germline.
Comment: This sequence change replaces threonine, which is neutral and polar, with isoleucine, which is neutral and non-polar, at codon 113 of the HOXB13 protein (p.Thr113Ile). This variant is not present in population databases (gnomAD no frequency). This variant has not been reported in the literature in individuals affected with HOXB13-related conditions. Advanced modeling of protein sequence and biophysical properties (such as structural, functional, and spatial information, amino acid conservation, physicochemical variation, residue mobility, and thermodynamic stability) performed at Invitae indicates that this missense variant is not expected to disrupt HOXB13 protein function with a negative predictive value of 80%. In summary, the available evidence is currently insufficient to determine the role of this variant in disease. Therefore, it has been classified as a Variant of Uncertain Significance.